The following is an entry in ClinVar:

ClinVar aggregate classification (germline): Uncertain significance. Review status: criteria provided, multiple submitters, no conflicts (2 of 4 stars). 2 submissions from 2 submitters: Uncertain significance (2). Last evaluated 2023-06-28.

Conditions:
Congenital contractural arachnodactyly (CCA). Also called: BEALS SYNDROME; Beals-Hecht syndrome; Arthrogryposis, distal, type 9. Identifiers: Orphanet 115, MedGen C0220668, MONDO:0007363, OMIM 121050.

Allele frequency attached by ClinVar (database versions not stated): gnomAD exomes below 0.00001.
gnomAD v4.1: 1 of 1,613,732 alleles (0.000062%); highest among the groups gnomAD compares: Non-Finnish European, 0.000085%; no homozygotes.

Submissions (2):

GeneDx
Classification: Uncertain significance. Last evaluated: 2023-06-28. Review status: criteria provided, single submitter. Criteria: GeneDx Variant Classification Process June 2021. Collection method: clinical testing. Allele origin: germline. Affected: yes.
Comment: Has not been previously published as pathogenic or benign to our knowledge; Not observed at significant frequency in large population cohorts (gnomAD); In silico analysis supports that this missense variant has a deleterious effect on protein structure/function

Labcorp Genetics (formerly Invitae), Labcorp
Classification: Uncertain significance for Congenital contractural arachnodactyly. Last evaluated: 2020-09-21. Review status: criteria provided, single submitter. Criteria: Invitae Variant Classification Sherloc (09022015). Collection method: clinical testing. Allele origin: germline.
Comment: In summary, the available evidence is currently insufficient to determine the role of this variant in disease. Therefore, it has been classified as a Variant of Uncertain Significance. Advanced modeling of protein sequence and biophysical properties (such as structural, functional, and spatial information, amino acid conservation, physicochemical variation, residue mobility, and thermodynamic stability) performed at Invitae indicates that this missense variant is not expected to disrupt FBN2 protein function. This variant has not been reported in the literature in individuals with FBN2-related conditions. This variant is not present in population databases (ExAC no frequency). This sequence change replaces proline with arginine at codon 942 of the FBN2 protein (p.Pro942Arg). The proline residue is moderately conserved and there is a moderate physicochemical difference between proline and arginine.

NM_001999.4(FBN2):c.2825C>G (p.Pro942Arg)

Gene: FBN2 (fibrillin 2; minus strand). Cytogenetic location: 5q23.3.
Variant type: single nucleotide variant.
Coding change: c.2825C>G on transcript NM_001999.4 (MANE Select); coding-DNA position 2825, C replaced by G.
Protein change: p.Pro942Arg; replaces proline 942 with arginine.
Molecular consequence: missense variant.
Genome position (GRCh38, 1-based): chr5:128,349,993, G>C on the plus strand (C>G on the coding strand, the complement: FBN2 is on the minus strand). VCF-style: chr5-128349993-G-C. GRCh37 (hg19) VCF-style: chr5-127685685-G-C.
Other names: c.2825C>G (NM_001999.3); short protein forms P942R.
Identifiers: ClinVar variation 1045274 (VCV001045274.9), dbSNP rs1751304438, ClinGen allele CA360766017.
Genomic context (GRCh38, chr5:128,349,993, plus strand): 5'-TTCCAAGGAAGGATACACTCACCTTCACACGTAACACCTTTAATCCTGGCAAGCCCTCTT[G>C]GGCAAGCTGTATCTGTAACAACAACAGGACAAATTTTACTTCATTATAGAATAAAATACA-3'
Protein context (NP_001990.2, residues 932-952): CERCELDTAC[Pro942Arg]RGLARIKGVT